The following is an entry in ClinVar:

NM_000053.4(ATP7B):c.1158G>T (p.Gly386=)

Gene: ATP7B (ATPase copper transporting beta; minus strand). Cytogenetic location: 13q14.3.
Variant type: single nucleotide variant.
Coding change: c.1158G>T on transcript NM_000053.4 (MANE Select); coding-DNA position 1158, G replaced by T.
Protein change: p.Gly386=; no amino-acid change (glycine 386 retained).
Molecular consequence: synonymous variant.
Genome position (GRCh38, 1-based): chr13:51,974,062, C>A on the plus strand (G>T on the coding strand, the complement: ATP7B is on the minus strand). VCF-style: chr13-51974062-C-A. GRCh37 (hg19) VCF-style: chr13-52548198-C-A.
Other names: c.1158G>T, p.Gly386= (NM_001005918.3, NM_001330578.2, NM_001330579.2); c.825G>T, p.Gly275= (NM_001243182.2).
Identifiers: ClinVar variation 632660 (VCV000632660.44), dbSNP rs778775834, ClinGen allele CA6989430.

ClinVar aggregate classification (germline): Conflicting classifications of pathogenicity. Review status: criteria provided, conflicting classifications (1 of 4 stars). 8 submissions from 8 submitters: Uncertain significance (5); Likely benign (2). 1 of the submissions does not count toward it. Last evaluated 2026-06-17.

Conditions:
Wilson disease (WND). Also called: Wilson's disease. Identifiers: Orphanet 905, MedGen C0019202, MONDO:0010200, OMIM 277900. Disease mechanism: loss of function.

Allele frequency attached by ClinVar (database versions not stated): ExAC 0.00002; gnomAD exomes 0.00002; TOPMed 0.00003; gnomAD 0.00004 and 0.00005.
gnomAD v4.1: 59 of 1,614,090 alleles (0.0037%); highest among the groups gnomAD compares: Non-Finnish European, 0.0043%; no homozygotes.

Submissions (8):

Women's Health and Genetics/Laboratory Corporation of America, LabCorp
Classification: Uncertain significance. Last evaluated: 2026-06-17. Review status: criteria provided, single submitter. Criteria: LabCorp Variant Classification Summary - May 2015. Collection method: clinical testing. Allele origin: germline.
Comment: Variant summary: ATP7B c.1158G>T alters a conserved nucleotide resulting in a synonymous change. Several computational tools predict a significant impact on normal splicing: Five predict the variant creates a cryptic 5' donor site. However, these predictions have yet to be confirmed by functional studies. The variant allele was found at a frequency of 1.6e-05 in 249546 control chromosomes. The available data on variant occurrences in the general population are insufficient to allow any conclusion about variant significance. To our knowledge, no occurrence of c.1158G>T in individuals affected with ATP7B-related conditions and no experimental evidence demonstrating its impact on protein function have been reported. ClinVar contains an entry for this variant (Variation ID: 632660). Based on the evidence outlined above, the variant was classified as VUS-possibly benign.

Labcorp Genetics (formerly Invitae), Labcorp
Classification: Likely benign for Wilson disease. Last evaluated: 2025-12-29. Review status: criteria provided, single submitter. Criteria: Invitae Variant Classification Sherloc (09022015). Collection method: clinical testing. Allele origin: germline.

Color Diagnostics, LLC DBA Color Health
Classification: Uncertain significance for Wilson disease. Last evaluated: 2025-09-24. Review status: criteria provided, single submitter. Criteria: ACMG Guidelines, 2015. Collection method: clinical testing. Allele origin: germline.
Comment: This synonymous variant causes a G>T nucleotide change in exon 2 of the ATP7B gene. Splice site prediction tools are inconclusive regarding the impact of this variant on RNA splicing. To our knowledge, RNA studies have not been reported for this variant. This variant has not been reported in individuals affected with ATP7B-related disorders in the literature. This variant has been identified in 5/280958 chromosomes in the general population by the Genome Aggregation Database (gnomAD). The available evidence is insufficient to determine the role of this variant in disease conclusively. Therefore, this variant is classified as a Variant of Uncertain Significance.

CeGaT Center for Human Genetics Tuebingen
Classification: Likely benign. Last evaluated: 2023-07-01. Review status: criteria provided, single submitter. Criteria: CeGaT Center For Human Genetics Tuebingen Variant Classification Criteria Version 2. Collection method: clinical testing. Allele origin: germline. Affected: yes. Observed: 1 variant allele.
Comment: ATP7B: BP4, BP7

Fulgent Genetics
Classification: Uncertain significance for Wilson disease. Last evaluated: 2022-05-05. Review status: criteria provided, single submitter. Criteria: ACMG Guidelines, 2015. Collection method: clinical testing. Allele origin: unknown.

Genome-Nilou Lab
Classification: Uncertain significance for Wilson disease. Last evaluated: 2021-09-05. Review status: criteria provided, single submitter. Criteria: ACMG Guidelines, 2015. Collection method: clinical testing. Allele origin: germline. Affected: no.

Illumina Laboratory Services, Illumina
Classification: Uncertain significance for Wilson disease. Last evaluated: 2018-01-13. Review status: criteria provided, single submitter. Criteria: ICSL Variant Classification Criteria 13 December 2019. Collection method: clinical testing. Allele origin: germline.

Natera, Inc.
Classification: Uncertain significance for Wilson disease. Last evaluated: 2019-10-28. Review status: no assertion criteria provided. Collection method: clinical testing. Allele origin: germline. Not counted in ClinVar's aggregate classification.

Literature cited by the submitters: PubMed 28794409 (cited by Women's Health and Genetics/Laboratory Corporation of America, LabCorp).